The following is an entry in ClinVar:

ClinVar aggregate classification (germline): Benign/Likely benign. Review status: criteria provided, multiple submitters, no conflicts (2 of 4 stars). 4 submissions from 4 submitters: Benign (2); Likely benign (2). Last evaluated 2026-09-01.

Conditions:
NIK deficiency. Also called: Primary immunodeficiency with multifaceted aberrant lymphoid immunity. Identifiers: Orphanet 447731, MedGen C5680065, MONDO:0018642.

Allele frequency attached by ClinVar (database versions not stated): gnomAD exomes 0.00036 and 0.00080; ExAC 0.00103; gnomAD 0.00332 and 0.00353; 1000 Genomes Project 30x 0.00359; ESP Exome Variant Server 0.00363; 1000 Genomes Project 0.00379; TOPMed 0.00389.
gnomAD v4.1: 1,060 of 1,613,360 alleles (0.066%); highest among the groups gnomAD compares: African/African-American, 1.1%; 1 homozygote.

Submissions (4):

CeGaT Center for Human Genetics Tuebingen
Classification: Likely benign. Last evaluated: 2026-09-01. Review status: criteria provided, single submitter. Criteria: CeGaT Center For Human Genetics Tuebingen Variant Classification Criteria Version 2. Collection method: clinical testing. Allele origin: germline. Affected: yes. Observed: 1 variant allele.
Comment: MAP3K14: PP2, BS1

Labcorp Genetics (formerly Invitae), Labcorp
Classification: Benign for NIK deficiency. Last evaluated: 2026-02-01. Review status: criteria provided, single submitter. Criteria: Invitae Variant Classification Sherloc (09022015). Collection method: clinical testing. Allele origin: germline.

Blueprint Genetics
Classification: Likely benign. Last evaluated: 2024-11-27. Review status: criteria provided, single submitter. Criteria: ACMG Guidelines, 2015. Collection method: clinical testing. Allele origin: germline.

Breakthrough Genomics
Classification: Benign. Review status: criteria provided, single submitter. Criteria: ACMG Guidelines, 2015. Collection method: not provided. Allele origin: germline. Inheritance: Unknown mechanism. Affected: yes.

NM_003954.5(MAP3K14):c.774C>G (p.Phe258Leu)

Gene: MAP3K14 (mitogen-activated protein kinase kinase kinase 14; minus strand). Cytogenetic location: 17q21.31.
Variant type: single nucleotide variant.
Coding change: c.774C>G on transcript NM_003954.5 (MANE Select); coding-DNA position 774, C replaced by G.
Protein change: p.Phe258Leu; replaces phenylalanine 258 with leucine.
Molecular consequence: missense variant.
Genome position (GRCh38, 1-based): chr17:45,286,809, G>C on the plus strand (C>G on the coding strand, the complement: MAP3K14 is on the minus strand). VCF-style: chr17-45286809-G-C. GRCh37 (hg19) VCF-style: chr17-43364176-G-C.
Other names: c.774C>G, p.Phe258Leu (LRG_1222t1); short protein forms F258L.
Identifiers: ClinVar variation 544331 (VCV000544331.14), dbSNP rs148344770, ClinGen allele CA8614276.